The following is an entry in ClinVar:

ClinVar aggregate classification (germline): Uncertain significance (1 of 4 stars; one submission).

gnomAD v4.1: 8 of 1,614,042 alleles (0.0005%); highest among the groups gnomAD compares: Admixed American, 0.01%; no homozygotes.

Submission:

GeneDx
Classification: Uncertain significance. Last evaluated: 2022-05-31. Review status: criteria provided, single submitter. Criteria: GeneDx Variant Classification Process June 2021. Collection method: clinical testing. Allele origin: germline. Affected: yes.
Comment: In silico analysis supports that this missense variant does not alter protein structure/function; Has not been previously published as pathogenic or benign to our knowledge

NM_005921.2(MAP3K1):c.2668C>T (p.Pro890Ser)

Gene: MAP3K1 (mitogen-activated protein kinase kinase kinase 1; plus strand). Cytogenetic location: 5q11.2.
Variant type: single nucleotide variant.
Coding change: c.2668C>T on transcript NM_005921.2 (MANE Select); coding-DNA position 2668, C replaced by T.
Protein change: p.Pro890Ser; replaces proline 890 with serine.
Molecular consequence: missense variant.
Genome position (GRCh38, 1-based): chr5:56,881,868, C>T. VCF-style: chr5-56881868-C-T. GRCh37 (hg19) VCF-style: chr5-56177695-C-T.
Other names: short protein forms P890S.
Identifiers: ClinVar variation 1801925 (VCV001801925.1), dbSNP rs777039063, ClinGen allele CA3273040.